The following is an entry in ClinVar:

NM_003924.4(PHOX2B):c.522A>G (p.Lys174=)

Gene: PHOX2B (paired like homeobox 2B; minus strand). Cytogenetic location: 4p13.
Variant type: single nucleotide variant.
Coding change: c.522A>G on transcript NM_003924.4 (MANE Select); coding-DNA position 522, A replaced by G.
Protein change: p.Lys174=; no amino-acid change (lysine 174 retained).
Molecular consequence: synonymous variant.
Genome position (GRCh38, 1-based): chr4:41,746,230, T>C on the plus strand (A>G on the coding strand, the complement: PHOX2B is on the minus strand). VCF-style: chr4-41746230-T-C. GRCh37 (hg19) VCF-style: chr4-41748247-T-C.
Identifiers: ClinVar variation 2146299 (VCV002146299.13), dbSNP rs2552096889, ClinGen allele CA439143351.
Genomic context (GRCh38, chr4:41,746,230, plus strand): 5'-GCTGTCCGGGTCAGTGCTCTTGGCCTCTTTGCTCTCGTCGTCCCTGGAAGAGTCAGACTT[T>C]TTGCCCGAGGAGCCGTTCTTGGCCGCGGCCGCTGCGGCTGCCGCTGCGCGCTCCTGCTTG-3'
Protein context (NP_003915.2, residues 164-184): AAAAKNGSSG[Lys174=]KSDSSRDDES

ClinVar aggregate classification (germline): Likely benign. Review status: criteria provided, multiple submitters, no conflicts (2 of 4 stars). 3 submissions from 3 submitters: Likely benign (3). Last evaluated 2026-05-01.

Conditions:
Haddad syndrome (OHD). Also called: Ondine-Hirschsprung disease. Identifiers: Orphanet 99803, MedGen C1859049, MONDO:0020493.
Hereditary cancer-predisposing syndrome. Also called: Hereditary Cancer Syndrome; Neoplastic Syndromes, Hereditary; Hereditary neoplastic syndrome; Tumor predisposition. Identifiers: Orphanet 140162, MedGen C0027672, MeSH D009386, MONDO:0015356.

Submissions (3):

CeGaT Center for Human Genetics Tuebingen
Classification: Likely benign. Last evaluated: 2026-05-01. Review status: criteria provided, single submitter. Criteria: CeGaT Center For Human Genetics Tuebingen Variant Classification Criteria Version 2. Collection method: clinical testing. Allele origin: germline. Affected: yes. Observed: 2 variant alleles.
Comment: PHOX2B: PM2:Supporting, BP4, BP7

Ambry Genetics
Classification: Likely benign for Hereditary cancer-predisposing syndrome. Last evaluated: 2024-10-13. Review status: criteria provided, single submitter. Criteria: Ambry Variant Classification Scheme 2023. Collection method: clinical testing. Allele origin: germline.

Labcorp Genetics (formerly Invitae), Labcorp
Classification: Likely benign for Haddad syndrome. Last evaluated: 2024-05-06. Review status: criteria provided, single submitter. Criteria: Invitae Variant Classification Sherloc (09022015). Collection method: clinical testing. Allele origin: germline.